The following is an entry in ClinVar:

ClinVar aggregate classification (germline): Uncertain significance (1 of 4 stars; one submission).

Conditions:
Hereditary breast ovarian cancer syndrome. Also called: Hereditary breast and ovarian cancer syndrome (HBOC); Hereditary breast and ovarian cancer syndrome; Hereditary breast and ovarian cancer; Breast and ovarian cancer; BRCA1- and BRCA2-Associated Hereditary Breast and Ovarian Cancer; Hereditary breast and/or ovarian cancer syndrome. Identifiers: Orphanet 145, MedGen C0677776, MeSH D061325, MONDO:0003582. Disease mechanism: loss of function.

Submission:

Labcorp Genetics (formerly Invitae), Labcorp
Classification: Uncertain significance for Hereditary breast ovarian cancer syndrome. Last evaluated: 2022-06-27. Review status: criteria provided, single submitter. Criteria: Invitae Variant Classification Sherloc (09022015). Collection method: clinical testing. Allele origin: germline.
Comment: This sequence change replaces serine, which is neutral and polar, with arginine, which is basic and polar, at codon 1861 of the BRCA1 protein (p.Ser1861Arg). This variant is not present in population databases (gnomAD no frequency). This variant has not been reported in the literature in individuals affected with BRCA1-related conditions. Advanced modeling of protein sequence and biophysical properties (such as structural, functional, and spatial information, amino acid conservation, physicochemical variation, residue mobility, and thermodynamic stability) performed at Invitae indicates that this missense variant is not expected to disrupt BRCA1 protein function. In summary, the available evidence is currently insufficient to determine the role of this variant in disease. Therefore, it has been classified as a Variant of Uncertain Significance.

NM_007294.4(BRCA1):c.5583C>A (p.Ser1861Arg)

Gene: BRCA1 (BRCA1 DNA repair associated; minus strand). Cytogenetic location: 17q21.31.
Variant type: single nucleotide variant.
Coding change: c.5583C>A on transcript NM_007294.4 (MANE Select); coding-DNA position 5583, C replaced by A.
Protein change: p.Ser1861Arg; replaces serine 1861 with arginine.
Molecular consequence: missense variant. On other transcripts: 3 prime UTR variant (1), non-coding transcript variant (1).
Genome position (GRCh38, 1-based): chr17:43,045,687, G>T on the plus strand (C>A on the coding strand, the complement: BRCA1 is on the minus strand). VCF-style: chr17-43045687-G-T. GRCh37 (hg19) VCF-style: chr17-41197704-G-T.
Other names: c.5370C>A, p.Ser1790Arg (NM_001407571.1, NM_001407894.1, NM_001407895.1 and 12 more transcripts); c.5649C>A, p.Ser1883Arg (NM_001407581.1, NM_001407582.1); c.5646C>A, p.Ser1882Arg (NM_001407583.1, NM_001407585.1, NM_001407587.1 and 1 more transcripts); c.5643C>A, p.Ser1881Arg (NM_001407590.1, NM_001407591.1); c.5583C>A, p.Ser1861Arg (NM_001407593.1, NM_001407594.1, NM_001407596.1 and 5 more transcripts); c.5580C>A, p.Ser1860Arg (NM_001407610.1, NM_001407611.1, NM_001407612.1 and 14 more transcripts); c.5577C>A, p.Ser1859Arg (NM_001407627.1, NM_001407628.1, NM_001407629.1 and 13 more transcripts); c.5574C>A, p.Ser1858Arg (NM_001407644.1, NM_001407645.1); and 74 more; short protein forms S1692R, S1748R, S1773R, S1792R, S1842R, S1859R, S648R, S649R.
Identifiers: ClinVar variation 2011282 (VCV002011282.4), dbSNP rs2152483157, ClinGen allele CA10590159.